The following is an entry in ClinVar:

ClinVar aggregate classification (germline): Benign/Likely benign. Review status: criteria provided, multiple submitters, no conflicts (2 of 4 stars). 3 submissions from 3 submitters: Benign (1); Likely benign (2). Last evaluated 2026-06-16.

Conditions:
Polyps, multiple and recurrent inflammatory fibroid, gastrointestinal. Identifiers: MedGen C5193005, MONDO:0008285, OMIM 175510.
Gastrointestinal stromal tumor. Also called: Gastrointestinal stromal tumor, somatic; Gastrointestinal stroma tumor. Identifiers: Orphanet 44890, MedGen C0238198, MeSH D046152, MONDO:0011719, OMIM 606764, HP:0100723.
Hereditary cancer-predisposing syndrome. Also called: Neoplastic Syndromes, Hereditary; Hereditary Cancer Syndrome; Hereditary neoplastic syndrome; Tumor predisposition. Identifiers: Orphanet 140162, MedGen C0027672, MeSH D009386, MONDO:0015356.

Allele frequency attached by ClinVar (database versions not stated): gnomAD 0.00001 and 0.00002; TOPMed 0.00001; ExAC 0.00004; 1000 Genomes Project 30x 0.00016; 1000 Genomes Project 0.00020.

Submissions (3):

Myriad Genetics, Inc.
Classification: Benign for Polyps, multiple and recurrent inflammatory fibroid, gastrointestinal. Last evaluated: 2026-06-16. Review status: criteria provided, single submitter. Criteria: Myriad Autosomal Dominant, Autosomal Recessive and X-Linked Classification Criteria (2023). Collection method: clinical testing. Allele origin: unknown.
Comment: This variant is considered benign. This variant is a silent/synonymous amino acid change and it is not expected to impact splicing.

Labcorp Genetics (formerly Invitae), Labcorp
Classification: Likely benign for Gastrointestinal stromal tumor. Last evaluated: 2026-01-13. Review status: criteria provided, single submitter. Criteria: Invitae Variant Classification Sherloc (09022015). Collection method: clinical testing. Allele origin: germline.

Ambry Genetics
Classification: Likely benign for Hereditary cancer-predisposing syndrome. Last evaluated: 2019-09-27. Review status: criteria provided, single submitter. Criteria: Ambry Variant Classification Scheme 2023. Collection method: clinical testing. Allele origin: germline.

NM_006206.6(PDGFRA):c.81A>G (p.Leu27=)

Gene: PDGFRA (platelet derived growth factor receptor alpha; plus strand). Cytogenetic location: 4q12.
Variant type: single nucleotide variant.
Coding change: c.81A>G on transcript NM_006206.6 (MANE Select); coding-DNA position 81, A replaced by G.
Protein change: p.Leu27=; no amino-acid change (leucine 27 retained).
Molecular consequence: synonymous variant.
Genome position (GRCh38, 1-based): chr4:54,261,126, A>G. VCF-style: chr4-54261126-A-G. GRCh37 (hg19) VCF-style: chr4-55127293-A-G.
Other names: c.81A>G, p.Leu27= (NM_001347827.2, NM_001347829.2); c.156A>G, p.Leu52= (NM_001347828.2); c.120A>G, p.Leu40= (NM_001347830.2).
Identifiers: ClinVar variation 705850 (VCV000705850.14), dbSNP rs529666430, ClinGen allele CA2922229.